The following is an entry in ClinVar:

ClinVar aggregate classification (germline): Pathogenic (1 of 4 stars; one submission).

Submission:

Labcorp Genetics (formerly Invitae), Labcorp
Classification: Pathogenic. Last evaluated: 2020-03-30. Review status: criteria provided, single submitter. Criteria: Invitae Variant Classification Sherloc (09022015). Collection method: clinical testing. Allele origin: germline.
Comment: For these reasons, this variant has been classified as Pathogenic. Loss-of-function variants in LAMB3 are known to be pathogenic (PMID: 11023379, 16473856). This variant has not been reported in the literature in individuals with LAMB3-related conditions. This variant is not present in population databases (ExAC no frequency). This sequence change creates a premature translational stop signal (p.Ala605Valfs*21) in the LAMB3 gene. It is expected to result in an absent or disrupted protein product.

Literature cited by the submitters: PubMed 11023379; PubMed 16473856.

NM_000228.3(LAMB3):c.1814_1827del (p.Ala605fs)

Gene: LAMB3 (laminin subunit beta 3; minus strand). Cytogenetic location: 1q32.2.
Variant type: Deletion.
Coding change: c.1814_1827del on transcript NM_000228.3 (MANE Select); coding-DNA positions 1814 to 1827, 14 bases deleted (CCACCGCCAGCCTG).
Protein change: p.Ala605fs; shifts the reading frame from alanine 605.
Molecular consequence: frameshift variant.
Genome position (GRCh38, 1-based): chr1:209,625,797-209,625,810, CAGGCTGGCGGTGG deleted on the plus strand (CCACCGCCAGCCTG on the coding strand, the reverse complement: LAMB3 is on the minus strand); deleting any 14 consecutive bases within chr1:209,625,797-209,625,812 gives the same sequence; the c. name uses the placement nearest the transcript's 3' end. VCF-style (leftmost placement, unchanged base first): chr1-209625796-ACAGGCTGGCGGTGG-A. GRCh37 (hg19) VCF-style: chr1-209799141-ACAGGCTGGCGGTGG-A.
Other names: c.1814_1827del, p.Ala605fs (NM_001017402.2, NM_001127641.1); short protein forms A605fs.
Identifiers: ClinVar variation 1075457 (VCV001075457.7), dbSNP rs1666418404, ClinGen allele CA1011767307.